The following is an entry in ClinVar:

ClinVar aggregate classification (germline): Benign/Likely benign. Review status: criteria provided, multiple submitters, no conflicts (2 of 4 stars). 4 submissions from 4 submitters: Benign (1); Likely benign (3). Last evaluated 2025-01-06.

Allele frequency attached by ClinVar (database versions not stated): gnomAD exomes 0.00003 and 0.00008; TOPMed 0.00005; gnomAD 0.00007; ExAC 0.00010.
gnomAD v4.1: 52 of 1,612,398 alleles (0.0032%); highest among the groups gnomAD compares: Middle Eastern, 0.049%; no homozygotes.

Submissions (4):

Labcorp Genetics (formerly Invitae), Labcorp
Classification: Likely benign. Last evaluated: 2025-01-06. Review status: criteria provided, single submitter. Criteria: Invitae Variant Classification Sherloc (09022015). Collection method: clinical testing. Allele origin: germline.

Mayo Clinic Laboratories, Mayo Clinic
Classification: Likely benign. Last evaluated: 2024-12-24. Review status: criteria provided, single submitter. Criteria: ACMG Guidelines, 2015. Collection method: clinical testing. Allele origin: germline. Observed: 1 variant allele.
Comment: BP1, BP4, BP7

Blueprint Genetics
Classification: Likely benign. Last evaluated: 2024-11-08. Review status: criteria provided, single submitter. Criteria: ACMG Guidelines, 2015. Collection method: clinical testing. Allele origin: germline.

Athena Diagnostics
Classification: Benign. Last evaluated: 2019-12-03. Review status: criteria provided, single submitter. Criteria: Athena Diagnostics Criteria. Collection method: clinical testing. Allele origin: unknown.

NM_000435.3(NOTCH3):c.6024G>A (p.Pro2008=)

Gene: NOTCH3 (notch receptor 3; minus strand). Cytogenetic location: 19p13.12.
Variant type: single nucleotide variant.
Coding change: c.6024G>A on transcript NM_000435.3 (MANE Select); coding-DNA position 6024, G replaced by A.
Protein change: p.Pro2008=; no amino-acid change (proline 2008 retained).
Molecular consequence: synonymous variant.
Genome position (GRCh38, 1-based): chr19:15,161,604, C>T on the plus strand (G>A on the coding strand, the complement: NOTCH3 is on the minus strand). VCF-style: chr19-15161604-C-T. GRCh37 (hg19) VCF-style: chr19-15272415-C-T.
Other names: p.Pro2008=.
Identifiers: ClinVar variation 774239 (VCV000774239.11), dbSNP rs766274305, ClinGen allele CA9262445.
Genomic context (GRCh38, chr19:15,161,604, plus strand): 5'-ACTGGGTTGATCCAGCAAGCGCACGATGTCCTGGTGCAGTCTCTCCTGGGCTACGTCCCG[C>T]GGCAGCCTGTCCAGGTGGTCGGTGATCTCACGGTTGGCAAAGTGGTCCAACAGCAGCTTG-3'
Protein context (NP_000426.2, residues 1998-2018): REITDHLDRL[Pro2008=]RDVAQERLHQ